The following is an entry in ClinVar:

ClinVar aggregate classification (germline): Uncertain significance (1 of 4 stars; one submission).

gnomAD v4.1: 25 of 1,613,026 alleles (0.0015%); highest among the groups gnomAD compares: Non-Finnish European, 0.0019%; no homozygotes.

Submission:

Labcorp Genetics (formerly Invitae), Labcorp
Classification: Uncertain significance. Last evaluated: 2025-04-30. Review status: criteria provided, single submitter. Criteria: Invitae Variant Classification Sherloc (09022015). Collection method: clinical testing. Allele origin: germline.
Comment: This sequence change replaces alanine, which is neutral and non-polar, with threonine, which is neutral and polar, at codon 17 of the SLC34A3 protein (p.Ala17Thr). This variant is present in population databases (rs757872964, gnomAD 0.003%). This variant has not been reported in the literature in individuals affected with SLC34A3-related conditions. An algorithm developed to predict the effect of missense changes on protein structure and function outputs the following: PolyPhen-2: "Benign". The threonine amino acid residue is found in multiple mammalian species, which suggests that this missense change does not adversely affect protein function. In summary, the available evidence is currently insufficient to determine the role of this variant in disease. Therefore, it has been classified as a Variant of Uncertain Significance.

NM_001177316.2(SLC34A3):c.49G>A (p.Ala17Thr)

Gene: SLC34A3 (solute carrier family 34 member 3; plus strand). Cytogenetic location: 9q34.3.
Variant type: single nucleotide variant.
Coding change: c.49G>A on transcript NM_001177316.2 (MANE Select); coding-DNA position 49, G replaced by A.
Protein change: p.Ala17Thr; replaces alanine 17 with threonine.
Molecular consequence: missense variant.
Genome position (GRCh38, 1-based): chr9:137,231,751, G>A. VCF-style: chr9-137231751-G-A. GRCh37 (hg19) VCF-style: chr9-140126203-G-A.
Other names: c.49G>A, p.Ala17Thr (NM_001177317.2, NM_080877.3); short protein forms A17T.
Identifiers: ClinVar variation 4776811 (VCV004776811.1).
Genomic context (GRCh38, chr9:137,231,751, plus strand): 5'-TGCCCGAAATCCATGCCGAGTTCCCTTCCCGGCAGCCAGGTCCCCCACCCCACTCTGGAC[G>A]CGGTTGACCTAGTGGAAAAGACTCTGAGGAATGAAGGTACCAGTGGCCCCTGTGCCCCAG-3'
Protein context (NP_001170787.2, residues 7-27): GSQVPHPTLD[Ala17Thr]VDLVEKTLRN